The following is an entry in ClinVar:

ClinVar aggregate classification (germline): Uncertain significance. Review status: criteria provided, single submitter (1 of 4 stars). 2 submissions from 2 submitters: Uncertain significance (1). 1 of the submissions does not count toward it. Last evaluated 2024-12-21.

Conditions:
Inborn genetic diseases. Identifiers: MedGen C0950123, MeSH D030342.
MAGEL2-related disorder. Also called: MAGEL2-related condition.

Submissions (2):

Ambry Genetics
Classification: Uncertain significance for Inborn genetic diseases. Last evaluated: 2024-12-21. Review status: criteria provided, single submitter. Criteria: Ambry Variant Classification Scheme 2023. Collection method: clinical testing. Allele origin: germline.

PreventionGenetics, part of Exact Sciences
Classification: Uncertain significance for MAGEL2-related condition. Last evaluated: 2024-05-18. Review status: no assertion criteria provided. Collection method: clinical testing. Allele origin: germline. Not counted in ClinVar's aggregate classification.
Comment: The MAGEL2 c.1996C>G variant is predicted to result in the amino acid substitution p.Gln666Glu. To our knowledge, this variant has not been reported in the literature. This variant is reported in 0.0034% of alleles in individuals of Latino descent in gnomAD. At this time, the clinical significance of this variant is uncertain due to the absence of conclusive functional and genetic evidence.

NM_019066.5(MAGEL2):c.1996C>G (p.Gln666Glu)

Gene: MAGEL2 (MAGE family member L2; minus strand). Cytogenetic location: 15q11.2.
Variant type: single nucleotide variant.
Coding change: c.1996C>G on transcript NM_019066.5 (MANE Select); coding-DNA position 1996, C replaced by G.
Protein change: p.Gln666Glu; replaces glutamine 666 with glutamic acid.
Molecular consequence: missense variant.
Genome position (GRCh38, 1-based): chr15:23,645,747, G>C on the plus strand (C>G on the coding strand, the complement: MAGEL2 is on the minus strand). VCF-style: chr15-23645747-G-C. GRCh37 (hg19) VCF-style: chr15-23890894-G-C.
Other names: short protein forms Q666E.
Identifiers: ClinVar variation 3355192 (VCV003355192.2).